The following is an entry in ClinVar:

ClinVar aggregate classification (germline): Uncertain significance (1 of 4 stars; one submission).

gnomAD v4.1: 6 of 1,613,998 alleles (0.00037%); highest among the groups gnomAD compares: Non-Finnish European, 0.00042%; no homozygotes.

Submission:

Labcorp Genetics (formerly Invitae), Labcorp
Classification: Uncertain significance. Last evaluated: 2024-12-19. Review status: criteria provided, single submitter. Criteria: Invitae Variant Classification Sherloc (09022015). Collection method: clinical testing. Allele origin: germline.
Comment: This sequence change replaces glutamic acid, which is acidic and polar, with lysine, which is basic and polar, at codon 2613 of the VPS13C protein (p.Glu2613Lys). This variant is present in population databases (rs762673117, gnomAD 0.002%). This variant has not been reported in the literature in individuals affected with VPS13C-related conditions. Invitae Evidence Modeling of protein sequence and biophysical properties (such as structural, functional, and spatial information, amino acid conservation, physicochemical variation, residue mobility, and thermodynamic stability) indicates that this missense variant is expected to disrupt VPS13C protein function with a positive predictive value of 80%. In summary, the available evidence is currently insufficient to determine the role of this variant in disease. Therefore, it has been classified as a Variant of Uncertain Significance.

NM_020821.3(VPS13C):c.7837G>A (p.Glu2613Lys)

Gene: VPS13C (vacuolar protein sorting 13 homolog C; minus strand). Cytogenetic location: 15q22.2.
Variant type: single nucleotide variant.
Coding change: c.7837G>A on transcript NM_020821.3 (MANE Select); coding-DNA position 7837, G replaced by A.
Protein change: p.Glu2613Lys; replaces glutamic acid 2613 with lysine.
Molecular consequence: missense variant.
Genome position (GRCh38, 1-based): chr15:61,917,559, C>T on the plus strand (G>A on the coding strand, the complement: VPS13C is on the minus strand). VCF-style: chr15-61917559-C-T. GRCh37 (hg19) VCF-style: chr15-62209758-C-T.
Other names: c.7837G>A, p.Glu2613Lys (NM_001018088.3); c.7708G>A, p.Glu2570Lys (NM_017684.5, NM_018080.4); short protein forms E2613K, E2570K.
Identifiers: ClinVar variation 3682872 (VCV003682872.2).
Genomic context (GRCh38, chr15:61,917,559, plus strand): 5'-TGACTTCTACTGATGGACACTGCAACATGCATCTGACTTCCCTGCTCCTATGAAGTTCTT[C>T]CTTCCAGGAAATATAAGTGGTAGATTCTTTGTACTGATGCTCTAAGATTCCAGCTGGCTG-3'
Protein context (NP_065872.1, residues 2603-2623): KESTTYISWK[Glu2613Lys]ELHRSREVRC